The following is an entry in ClinVar:

NC_000002.11:g.(?_220284797)_(220284897_?)dup

Gene: DES (desmin; plus strand). Cytogenetic location: 2q35.
Variant type: Duplication.
Identifiers: ClinVar variation 2424321 (VCV002424321.5).

ClinVar aggregate classification (germline): Likely pathogenic (1 of 4 stars; one submission).

Conditions:
Desmin-related myofibrillar myopathy (MFM1). Also called: MYOFIBRILLAR MYOPATHY WITH ARRHYTHMOGENIC RIGHT VENTRICULAR CARDIOMYOPATHY; DESMIN-RELATED MYOPATHY WITH ARRHYTHMOGENIC RIGHT VENTRICULAR CARDIOMYOPATHY; Myofibrillar myopathy 1; Desminopathy; Desmin related myopathy (former name); Desmin storage myopathy (former name). Identifiers: Orphanet 363543, Orphanet 98909, MedGen C1832370, MONDO:0011076, OMIM 601419.

Submission:

Labcorp Genetics (formerly Invitae), Labcorp
Classification: Likely pathogenic for Desmin-related myofibrillar myopathy. Last evaluated: 2023-08-07. Review status: criteria provided, single submitter. Criteria: Invitae Variant Classification Sherloc (09022015). Collection method: clinical testing. Allele origin: germline.
Comment: In summary, the currently available evidence indicates that the variant is pathogenic, but additional data are needed to prove that conclusively. Therefore, this variant has been classified as Likely Pathogenic. This variant has not been reported in the literature in individuals affected with DES-related conditions. This variant results in a copy number gain of the genomic region encompassing exon(s) 2 of the DES gene. While the exact position of this variant cannot be determined from the data, sub-genic copy number gains are generally in tandem (PMID: 25640679). This variant is predicted to be out-of-frame, and may result in an absent or disrupted protein product. Loss-of-function variants in DES are known to be pathogenic (PMID: 23575897).

Literature cited by the submitters: PubMed 25640679; PubMed 23575897.